The following is an entry in ClinVar:

ClinVar aggregate classification (germline): Uncertain significance (1 of 4 stars; one submission).

Allele frequency attached by ClinVar (database versions not stated): gnomAD 0.00001.
gnomAD v4.1: 10 of 1,607,626 alleles (0.00062%); highest among the groups gnomAD compares: Non-Finnish European, 0.00085%; no homozygotes.

Submission:

Labcorp Genetics (formerly Invitae), Labcorp
Classification: Uncertain significance. Last evaluated: 2023-06-16. Review status: criteria provided, single submitter. Criteria: Invitae Variant Classification Sherloc (09022015). Collection method: clinical testing. Allele origin: germline.
Comment: This sequence change replaces serine, which is neutral and polar, with glycine, which is neutral and non-polar, at codon 959 of the DIAPH3 protein (p.Ser959Gly). This variant is not present in population databases (gnomAD no frequency). This variant has not been reported in the literature in individuals affected with DIAPH3-related conditions. An algorithm developed to predict the effect of missense changes on protein structure and function (PolyPhen-2) suggests that this variant is likely to be tolerated. In summary, the available evidence is currently insufficient to determine the role of this variant in disease. Therefore, it has been classified as a Variant of Uncertain Significance.

NM_001042517.2(DIAPH3):c.2875A>G (p.Ser959Gly)

Gene: DIAPH3 (diaphanous related formin 3; minus strand). Cytogenetic location: 13q21.2.
Variant type: single nucleotide variant.
Coding change: c.2875A>G on transcript NM_001042517.2 (MANE Select); coding-DNA position 2875, A replaced by G.
Protein change: p.Ser959Gly; replaces serine 959 with glycine.
Molecular consequence: missense variant.
Genome position (GRCh38, 1-based): chr13:59,833,259, T>C on the plus strand (A>G on the coding strand, the complement: DIAPH3 is on the minus strand). VCF-style: chr13-59833259-T-C. GRCh37 (hg19) VCF-style: chr13-60407393-T-C.
Other names: c.2842A>G, p.Ser948Gly (NM_001258366.2); c.2737A>G, p.Ser913Gly (NM_001258367.2); c.2665A>G, p.Ser889Gly (NM_001258368.2); c.2875A>G, p.Ser959Gly (NM_001258369.2); c.2086A>G, p.Ser696Gly (NM_030932.4); short protein forms S913G, S948G, S889G, S696G, S959G.
Identifiers: ClinVar variation 2778303 (VCV002778303.3), dbSNP rs2041875425, ClinGen allele CA388327823.